The following is an entry in ClinVar:

NM_030632.3(ASXL3):c.3359dup (p.Phe1121fs)

Gene: ASXL3 (ASXL transcriptional regulator 3; plus strand). Cytogenetic location: 18q12.1.
Variant type: Duplication.
Coding change: c.3359dup on transcript NM_030632.3 (MANE Select); coding-DNA position 3359, one base duplicated (T; older notation c.3359dupT).
Protein change: p.Phe1121fs; shifts the reading frame from phenylalanine 1121.
Molecular consequence: frameshift variant.
Genome position (GRCh38, 1-based): chr18:33,743,207, T duplicated. VCF-style (leftmost placement, unchanged base first): chr18-33743206-C-CT. GRCh37 (hg19) VCF-style: chr18-31323170-C-CT.
Other names: short protein forms F1121fs.
Identifiers: ClinVar variation 4856193 (VCV004856193.1).

ClinVar aggregate classification (germline): Likely pathogenic (1 of 4 stars; one submission).

Conditions:
Bainbridge-Ropers syndrome. Also called: Severe feeding difficulties-failure to thrive-microcephaly due to ASXL3 deficiency syndrome. Identifiers: Orphanet 352577, MedGen C4750837, MONDO:0014205, OMIM 615485.

Submission:

3billion
Classification: Likely pathogenic for Bainbridge-Ropers syndrome. Last evaluated: 2025-07-19. Review status: criteria provided, single submitter. Criteria: ACMG Guidelines, 2015. Collection method: clinical testing. Allele origin: germline. Affected: yes.
Comment: The variant is not observed in the gnomAD v4.1.0 dataset. Predicted Consequence/Location: Frameshift: predicted to result in a loss or disruption of normal protein function through protein truncation. The predicted truncated protein may be shortened by more than 10%. Therefore, this variant is classified as Likely pathogenic according to the recommendation of ACMG/AMP guideline.